The following is an entry in ClinVar:

NM_030773.4(TUBB1):c.320C>T (p.Thr107Met)

Gene: TUBB1 (tubulin beta 1 class VI; plus strand). Cytogenetic location: 20q13.32.
Variant type: single nucleotide variant.
Coding change: c.320C>T on transcript NM_030773.4 (MANE Select); coding-DNA position 320, C replaced by T.
Protein change: p.Thr107Met; replaces threonine 107 with methionine.
Molecular consequence: missense variant.
Genome position (GRCh38, 1-based): chr20:59,023,747, C>T. VCF-style: chr20-59023747-C-T. GRCh37 (hg19) VCF-style: chr20-57598802-C-T.
Other names: short protein forms T107M.
Identifiers: ClinVar variation 546390 (VCV000546390.3), dbSNP rs755503987, ClinGen allele CA9928476.

ClinVar aggregate classification (germline): Uncertain significance. Review status: criteria provided, multiple submitters, no conflicts (2 of 4 stars). 2 submissions from 2 submitters: Uncertain significance (2). Last evaluated 2025-09-24.

Conditions:
Macrothrombocytopenia, isolated, 1, autosomal dominant (MACTHC1). Also called: Autosomal dominant macrothrombocytopenia TUBB1-related. Identifiers: Orphanet 140957, MedGen C5676892, MONDO:0800047, OMIM 613112.

Allele frequency attached by ClinVar (database versions not stated): ExAC 0.00002; TOPMed 0.00001; gnomAD exomes 0.00001 and 0.00003; gnomAD 0.00002.

Submissions (2):

Genesolutions, Medical Genetics Institutes, Ho Chi Minh City, Vietnam
Classification: Uncertain significance for Macrothrombocytopenia, isolated, 1, autosomal dominant. Last evaluated: 2025-09-24. Review status: criteria provided, single submitter. Criteria: ACMG Guidelines, 2015. Collection method: clinical testing. Allele origin: germline. Affected: yes.

GeneDx
Classification: Uncertain significance. Last evaluated: 2018-05-24. Review status: criteria provided, single submitter. Criteria: GeneDx Variant Classification (06012015). Collection method: clinical testing. Allele origin: germline. Affected: yes.
Comment: The T107M variant in the TUBB1 gene has not been reported previously as a pathogenic variant, nor as a benign variant, to our knowledge. This variant is observed in 3/30782 (0.0097%) alleles from individuals of South Asian background and 10/277212 (0.0036%) global alleles in large population cohorts (Lek et al., 2016). The T107M variant is a non-conservative amino acid substitution, which is likely to impact secondary protein structure as these residues differ in polarity, charge, size and/or other properties. In-silico analyses, including protein predictors and evolutionary conservation, support a deleterious effect. We interpret T107M as a variant of uncertain significance.